The following is an entry in ClinVar:

NM_005592.4(MUSK):c.402G>A (p.Glu134=)

Gene: MUSK (muscle associated receptor tyrosine kinase; plus strand). Cytogenetic location: 9q31.3.
Variant type: single nucleotide variant.
Coding change: c.402G>A on transcript NM_005592.4 (MANE Select); coding-DNA position 402, G replaced by A.
Protein change: p.Glu134=; no amino-acid change (glutamic acid 134 retained).
Molecular consequence: synonymous variant.
Genome position (GRCh38, 1-based): chr9:110,695,446, G>A. VCF-style: chr9-110695446-G-A. GRCh37 (hg19) VCF-style: chr9-113457726-G-A.
Other names: p.Glu134=; c.402G>A, p.Glu134= (NM_001166280.2, NM_001166281.2).
Identifiers: ClinVar variation 129635 (VCV000129635.20), dbSNP rs10980531, ClinGen allele CA153745.

ClinVar aggregate classification (germline): Benign. Review status: criteria provided, multiple submitters, no conflicts (2 of 4 stars). 7 submissions from 7 submitters: Benign (7). Last evaluated 2026-02-04.

Conditions:
Fetal akinesia deformation sequence 1 (FADS1). Also called: Pena-Shokeir syndrome type I; Fetal akinesia sequence. Identifiers: Orphanet 994, MedGen C1276035, MONDO:0100101, OMIM 208150, HP:0001989.
Congenital myasthenic syndrome 9. Also called: Myasthenic syndrome, congenital, 9, associated with acetylcholine receptor deficiency. Identifiers: Orphanet 590, MedGen C4225368, MONDO:0014587, OMIM 616325.

Allele frequency attached by ClinVar (database versions not stated): 1000 Genomes Project 30x 0.16443; ExAC 0.24156; 1000 Genomes Project 0.17013; ESP Exome Variant Server 0.15448; TOPMed 0.15885; gnomAD exomes 0.15897; gnomAD 0.16445 and 0.16630.
gnomAD v4.1: 268,097 of 1,535,178 alleles (17%); highest among the groups gnomAD compares: East Asian, 22%; 24,102 homozygotes.

Submissions (7):

Labcorp Genetics (formerly Invitae), Labcorp
Classification: Benign for Congenital myasthenic syndrome 9; Fetal akinesia deformation sequence 1. Last evaluated: 2026-02-04. Review status: criteria provided, single submitter. Criteria: Invitae Variant Classification Sherloc (09022015). Collection method: clinical testing. Allele origin: germline.

Illumina Laboratory Services, Illumina
Classification: Benign for Congenital myasthenic syndrome 9. Last evaluated: 2018-01-13. Review status: criteria provided, single submitter. Criteria: ICSL Variant Classification Criteria 13 December 2019. Collection method: clinical testing. Allele origin: germline.
Comment: This variant was observed in the ICSL laboratory as part of a predisposition screen in an ostensibly healthy population. It had not been previously curated by ICSL or reported in the Human Gene Mutation Database (HGMD: prior to June 1st, 2018), and was therefore a candidate for classification through an automated scoring system. Utilizing variant allele frequency, disease prevalence and penetrance estimates, and inheritance mode, an automated score was calculated to assess if this variant is too frequent to cause the disease. Based on the score and internal cut-off values, a variant classified as benign is not then subjected to further curation. The score for this variant resulted in a classification of benign for this disease.

Mayo Clinic Laboratories, Mayo Clinic
Classification: Benign. Last evaluated: 2017-08-25. Review status: criteria provided, single submitter. Criteria: ACMG Guidelines, 2015. Collection method: clinical testing. Allele origin: germline. Observed: 137 variant alleles.

GeneDx
Classification: Benign. Last evaluated: 2016-05-27. Review status: criteria provided, single submitter. Criteria: GeneDx Variant Classification (06012015). Collection method: clinical testing. Allele origin: germline. Affected: yes.
Comment: This variant is considered likely benign or benign based on one or more of the following criteria: it is a conservative change, it occurs at a poorly conserved position in the protein, it is predicted to be benign by multiple in silico algorithms, and/or has population frequency not consistent with disease.

Genetic Services Laboratory, University of Chicago
Classification: Benign for AllHighlyPenetrant. Last evaluated: 2013-08-15. Review status: criteria provided, single submitter. Criteria: ACMG Guidelines, 2007. Collection method: clinical testing. Allele origin: germline. Inheritance: Autosomal recessive inheritance.

Breakthrough Genomics
Classification: Benign. Review status: criteria provided, single submitter. Criteria: ACMG Guidelines, 2015. Collection method: not provided. Allele origin: germline. Inheritance: Autosomal recessive inheritance. Affected: yes.

PreventionGenetics, part of Exact Sciences
Classification: Benign. Review status: criteria provided, single submitter. Criteria: ACMG Guidelines, 2015. Collection method: clinical testing. Allele origin: germline.